The following is an entry in ClinVar:

ClinVar aggregate classification (germline): Pathogenic (1 of 4 stars; one submission).

Conditions:
Hereditary breast ovarian cancer syndrome. Also called: Hereditary breast and ovarian cancer syndrome; Hereditary breast and/or ovarian cancer syndrome; Hereditary breast and ovarian cancer syndrome (HBOC); Hereditary breast and ovarian cancer; Breast and ovarian cancer; BRCA1- and BRCA2-Associated Hereditary Breast and Ovarian Cancer. Identifiers: Orphanet 145, MedGen C0677776, MeSH D061325, MONDO:0003582. Disease mechanism: loss of function.

Submission:

Women's Health and Genetics/Laboratory Corporation of America, LabCorp
Classification: Pathogenic for Hereditary breast and ovarian cancer syndrome. Last evaluated: 2020-03-10. Review status: criteria provided, single submitter. Criteria: LabCorp Variant Classification Summary - May 2015. Collection method: clinical testing. Allele origin: germline.
Comment: Variant summary: This variant, identified by MLPA, involves the deletion of exons 17-18 (legacy name: deletion of exons 18-19) in the BRCA1 gene. A presumed nomenclature of c.(5074+1_5075-1)_(5193+1_5194-1)del, has been designated for the purposes of this classification. The variant was absent in approximately 20,000 control chromosomes (gnomAD, Structural Variants dataset). c.(5074+1_5075-1)_(5193+1_5194-1)del has been reported in the literature in multiple individuals affected with Hereditary Breast and Ovarian Cancer (examples- Engert_2008, Aktas_2010, Arnold_2014, Rebbeck_2018). These data indicate that the variant is very likely to be associated with disease. To the best of our knowledge, no experimental evidence demonstrating an impact on protein function has been reported in the literature. One ClinVar submitter (evaluation after 2014) cites the variant as pathogenic. Based on the evidence outlined above, the variant was classified as pathogenic.

Literature cited by the submitters: PubMed 24670361; PubMed 18431737; PubMed 20638108; PubMed 24825132; PubMed 17561994; PubMed 24522996; PubMed 29446198.

NC_000017.11:g.(43057136_43063332)_(43063952_43067607)del

Gene: BRCA1 (BRCA1 DNA repair associated; minus strand). Cytogenetic location: 17q21.31.
Variant type: Deletion.
Identifiers: ClinVar variation 981966 (VCV000981966.1).